The following is an entry in ClinVar:

NM_000432.4(MYL2):c.480C>T (p.Thr160=)

Gene: MYL2 (myosin light chain 2; minus strand). Cytogenetic location: 12q24.11.
Variant type: single nucleotide variant.
Coding change: c.480C>T on transcript NM_000432.4 (MANE Select); coding-DNA position 480, C replaced by T.
Protein change: p.Thr160=; no amino-acid change (threonine 160 retained).
Molecular consequence: synonymous variant.
Genome position (GRCh38, 1-based): chr12:110,911,098, G>A on the plus strand (C>T on the coding strand, the complement: MYL2 is on the minus strand). VCF-style: chr12-110911098-G-A. GRCh37 (hg19) VCF-style: chr12-111348902-G-A.
Identifiers: ClinVar variation 179705 (VCV000179705.11), dbSNP rs727505065, ClinGen allele CA010418.
Genomic context (GRCh38, chr12:110,911,098, plus strand): 5'-CTGCAAAGACGAGCCCAGGGCGCAGCAGCGAGCCCCCTCCTAGTCCTTCTCTTCTCCGTG[G>A]GTGATGATGTGCACCAGGTTCTTGTAGTCCAAGTTGCCAGTCACGTCAGGGGGGAAGGCG-3'
Protein context (NP_000423.2, residues 150-166): LDYKNLVHII[Thr160=]HGEEKD

ClinVar aggregate classification (germline): Likely benign. Review status: criteria provided, multiple submitters, no conflicts (2 of 4 stars). 5 submissions from 5 submitters: Likely benign (5). Last evaluated 2025-02-16.

Conditions:
Cardiomyopathy (CMYO). Also called: Cardiomyopathies. Identifiers: Orphanet 167848, MedGen C0878544, MONDO:0004994, HP:0001638. Inheritance: Various modes of inheritance.
Hypertrophic cardiomyopathy 10. Also called: MYL2-Related Familial Hypertrophic Cardiomyopathy; CARDIOMYOPATHY, HYPERTROPHIC, MID-LEFT VENTRICULAR CHAMBER TYPE, 2. Identifiers: MedGen C1834460, MONDO:0012112, OMIM 608758.
Hypertrophic cardiomyopathy. Also called: HYPERTROPHIC MYOCARDIOPATHY. Identifiers: Orphanet 217569, MedGen C0007194, MeSH D002312, MONDO:0005045, HP:0001639.

Allele frequency attached by ClinVar (database versions not stated): gnomAD exomes below 0.00001 and 0.00001; ExAC 0.00001.
gnomAD v4.1: 5 of 1,614,084 alleles (0.00031%); highest among the groups gnomAD compares: South Asian, 0.0055%; no homozygotes.

Submissions (5):

Laboratory of Genetics, Children's Clinical University Hospital Latvia
Classification: Likely benign. Last evaluated: 2025-02-16. Review status: criteria provided, single submitter. Criteria: ACMG Guidelines, 2015. Collection method: clinical testing. Allele origin: germline. Affected: yes.

Labcorp Genetics (formerly Invitae), Labcorp
Classification: Likely benign for Hypertrophic cardiomyopathy 10. Last evaluated: 2024-03-13. Review status: criteria provided, single submitter. Criteria: Invitae Variant Classification Sherloc (09022015). Collection method: clinical testing. Allele origin: germline.

All of Us Research Program, National Institutes of Health
Classification: Likely benign for Hypertrophic cardiomyopathy. Last evaluated: 2024-02-05. Review status: criteria provided, single submitter. Criteria: ACMG Guidelines, 2015. Collection method: clinical testing. Allele origin: germline. Inheritance: Autosomal dominant inheritance. Observed: 2 variant alleles, 2 heterozygotes.
Comment: This study involves interpretation of variants in research participants for the purpose of population health screening. Participant phenotype was not available at the time of variant classification. Additional details can be found in publication PMID: 35346344, PMCID: PMC8962531

Color Diagnostics, LLC DBA Color Health
Classification: Likely benign for Cardiomyopathy. Last evaluated: 2018-11-27. Review status: criteria provided, single submitter. Criteria: ACMG Guidelines, 2015. Collection method: clinical testing. Allele origin: germline.

Laboratory for Molecular Medicine, Mass General Brigham Personalized Medicine
Classification: Likely benign. Last evaluated: 2014-04-16. Review status: criteria provided, single submitter. Criteria: LMM Criteria. Collection method: clinical testing. Allele origin: germline. Observed: 1 variant allele.
Comment: Thr160Thr in exon 7 of MYL2: This variant is not expected to have clinical signi ficance because it does not alter an amino acid residue and is not located withi n the splice consensus sequence.